The following is an entry in ClinVar:

ClinVar aggregate classification (germline): Benign/Likely benign. Review status: criteria provided, multiple submitters, no conflicts (2 of 4 stars). 7 submissions from 7 submitters: Benign (3); Likely benign (4). Last evaluated 2025-12-19.

Conditions:
Cardiovascular phenotype. Identifiers: MedGen CN230736.
Hypertrophic cardiomyopathy 14. Identifiers: MedGen C2750467, MONDO:0013197, OMIM 613251.

Allele frequency attached by ClinVar (database versions not stated): gnomAD exomes 0.00009 and 0.00026; ExAC 0.00029; TOPMed 0.00078; 1000 Genomes Project 0.00080; gnomAD 0.00087 and 0.00090; ESP Exome Variant Server 0.00092; 1000 Genomes Project 30x 0.00094.
gnomAD v4.1: 270 of 1,607,288 alleles (0.017%); highest among the groups gnomAD compares: African/African-American, 0.29%; 2 homozygotes.

Submissions (7):

Labcorp Genetics (formerly Invitae), Labcorp
Classification: Benign for Hypertrophic cardiomyopathy 14. Last evaluated: 2025-12-19. Review status: criteria provided, single submitter. Criteria: Invitae Variant Classification Sherloc (09022015). Collection method: clinical testing. Allele origin: germline.

Blueprint Genetics
Classification: Benign. Last evaluated: 2024-08-12. Review status: criteria provided, single submitter. Criteria: ACMG Guidelines, 2015. Collection method: clinical testing. Allele origin: germline.

CeGaT Center for Human Genetics Tuebingen
Classification: Likely benign. Last evaluated: 2023-11-01. Review status: criteria provided, single submitter. Criteria: CeGaT Center For Human Genetics Tuebingen Variant Classification Criteria Version 2. Collection method: clinical testing. Allele origin: germline. Affected: yes. Observed: 1 variant allele.
Comment: MYH6: BP4, BP7

Ambry Genetics
Classification: Likely benign for Cardiovascular phenotype. Last evaluated: 2023-05-26. Review status: criteria provided, single submitter. Criteria: Ambry Variant Classification Scheme 2023. Collection method: clinical testing. Allele origin: germline.

GeneDx
Classification: Likely benign. Last evaluated: 2020-12-03. Review status: criteria provided, single submitter. Criteria: GeneDx Variant Classification Process June 2021. Collection method: clinical testing. Allele origin: germline. Affected: yes.

Women's Health and Genetics/Laboratory Corporation of America, LabCorp
Classification: Benign. Last evaluated: 2019-12-14. Review status: criteria provided, single submitter. Criteria: LabCorp Variant Classification Summary - May 2015. Collection method: clinical testing. Allele origin: germline.

Laboratory for Molecular Medicine, Mass General Brigham Personalized Medicine
Classification: Likely benign. Last evaluated: 2015-10-30. Review status: criteria provided, single submitter. Criteria: LMM Criteria. Collection method: clinical testing. Allele origin: germline. Observed: 4 variant alleles.
Comment: p.Glu1099Glu in exon 25 of MYH6: This variant is not expected to have clinical s ignificance because it does not alter an amino acid residue and is not located w ithin the splice consensus sequence. It has been identified in 0.3% (28/10402) o f African chromosomes by the Exome Aggregation Consortium (ExAC; dbSNP rs144957142).

NM_002471.4(MYH6):c.3297G>A (p.Glu1099=)

Gene: MYH6 (myosin heavy chain 6; minus strand). Cytogenetic location: 14q11.2.
Variant type: single nucleotide variant.
Coding change: c.3297G>A on transcript NM_002471.4 (MANE Select); coding-DNA position 3297, G replaced by A.
Protein change: p.Glu1099=; no amino-acid change (glutamic acid 1099 retained).
Molecular consequence: synonymous variant.
Genome position (GRCh38, 1-based): chr14:23,392,607, C>T on the plus strand (G>A on the coding strand, the complement: MYH6 is on the minus strand). VCF-style: chr14-23392607-C-T. GRCh37 (hg19) VCF-style: chr14-23861816-C-T.
Identifiers: ClinVar variation 44479 (VCV000044479.44), dbSNP rs144957142, ClinGen allele CA134319.